The following is an entry in ClinVar:

ClinVar aggregate classification (germline): Uncertain significance. Review status: criteria provided, multiple submitters, no conflicts (2 of 4 stars). 4 submissions from 4 submitters: Uncertain significance (4). Last evaluated 2025-06-12.

Conditions:
Hypertrophic cardiomyopathy 1 (CMH1). Also called: Familial hypertrophic cardiomyopathy 1; MYH7-Related Familial Hypertrophic Cardiomyopathy. Identifiers: MedGen C3495498, MONDO:0008647, OMIM 192600.
Atrial septal defect 3 (ASD3). Identifiers: Orphanet 1478, MedGen C3279790, MONDO:0013567, OMIM 614089.
Sick sinus syndrome 3, susceptibility to (SSS3). Identifiers: Orphanet 166282, MedGen C3279791, MONDO:0013568, OMIM 614090.
Dilated cardiomyopathy 1EE (CMD1EE). Identifiers: Orphanet 154, MedGen C2750466, MONDO:0013198, OMIM 613252.
Hypertrophic cardiomyopathy 14. Identifiers: MedGen C2750467, MONDO:0013197, OMIM 613251.
MYH6-related disorder. Also called: MYH6-related condition; MYH6-Related Disorders.
Cardiovascular phenotype. Identifiers: MedGen CN230736.

Allele frequency attached by ClinVar (database versions not stated): gnomAD exomes 0.00001 and 0.00002; ExAC 0.00003; gnomAD 0.00006; ESP Exome Variant Server 0.00008; TOPMed 0.00013.
gnomAD v4.1: 18 of 1,613,900 alleles (0.0011%); highest among the groups gnomAD compares: African/African-American, 0.016%; no homozygotes.

Submissions (4):

Labcorp Genetics (formerly Invitae), Labcorp
Classification: Uncertain significance for Hypertrophic cardiomyopathy 14. Last evaluated: 2025-06-12. Review status: criteria provided, single submitter. Criteria: Invitae Variant Classification Sherloc (09022015). Collection method: clinical testing. Allele origin: germline.
Comment: This sequence change replaces isoleucine, which is neutral and non-polar, with threonine, which is neutral and polar, at codon 753 of the MYH6 protein (p.Ile753Thr). This variant is present in population databases (rs369729808, gnomAD 0.02%). This variant has not been reported in the literature in individuals affected with MYH6-related conditions. ClinVar contains an entry for this variant (Variation ID: 664024). Invitae Evidence Modeling of protein sequence and biophysical properties (such as structural, functional, and spatial information, amino acid conservation, physicochemical variation, residue mobility, and thermodynamic stability) has been performed for this missense variant. However, the output from this modeling did not meet the statistical confidence thresholds required to predict the impact of this variant on MYH6 protein function. In summary, the available evidence is currently insufficient to determine the role of this variant in disease. Therefore, it has been classified as a Variant of Uncertain Significance.

PreventionGenetics, part of Exact Sciences
Classification: Uncertain significance for MYH6-related condition. Last evaluated: 2025-03-17. Review status: criteria provided, single submitter. Criteria: ACMG Guidelines, 2015. Collection method: clinical testing. Allele origin: germline.
Comment: The MYH6 c.2258T>C variant is predicted to result in the amino acid substitution p.Ile753Thr. This variant has been reported as a variant of uncertain significance to segregate in a family with hypertrophic cardiomyopathy (Table S1, Seidelmann et al. 2017. PubMed ID: 28087566). This variant is reported in 0.020% of alleles in individuals of African descent in gnomAD. At this time, the clinical significance of this variant is uncertain due to the absence of conclusive functional and genetic evidence.

Ambry Genetics
Classification: Uncertain significance for Cardiovascular phenotype. Last evaluated: 2025-02-25. Review status: criteria provided, single submitter. Criteria: Ambry Variant Classification Scheme 2023. Collection method: clinical testing. Allele origin: germline.
Comment: The p.I753T variant (also known as c.2258T>C), located in coding exon 17 of the MYH6 gene, results from a T to C substitution at nucleotide position 2258. The isoleucine at codon 753 is replaced by threonine, an amino acid with similar properties. This variant has been detected in an individual referred for hypertrophic cardiomyopathy genetic testing and in a son who was reported to have some left ventricular hypertrophy; however, details were limited (Seidelmann SB et al. Circ Cardiovasc Genet, 2017 Feb;10). This amino acid position is well conserved in available vertebrate species. In addition, the in silico prediction for this alteration is inconclusive. Since supporting evidence is limited at this time, the clinical significance of this alteration remains unclear.

Fulgent Genetics
Classification: Uncertain significance for Hypertrophic cardiomyopathy 1; Hypertrophic cardiomyopathy 14; Dilated cardiomyopathy 1EE; Atrial septal defect 3; Sick sinus syndrome 3, susceptibility to. Last evaluated: 2022-02-14. Review status: criteria provided, single submitter. Criteria: ACMG Guidelines, 2015. Collection method: clinical testing. Allele origin: unknown.

Literature cited by the submitters: PubMed 28087566 (cited by Ambry Genetics).

NM_002471.4(MYH6):c.2258T>C (p.Ile753Thr)

Gene: MYH6 (myosin heavy chain 6; minus strand). Cytogenetic location: 14q11.2.
Variant type: single nucleotide variant.
Coding change: c.2258T>C on transcript NM_002471.4 (MANE Select); coding-DNA position 2258, T replaced by C.
Protein change: p.Ile753Thr; replaces isoleucine 753 with threonine.
Molecular consequence: missense variant.
Genome position (GRCh38, 1-based): chr14:23,396,728, A>G on the plus strand (T>C on the coding strand, the complement: MYH6 is on the minus strand). VCF-style: chr14-23396728-A-G. GRCh37 (hg19) VCF-style: chr14-23865937-A-G.
Other names: short protein forms I753T.
Identifiers: ClinVar variation 664024 (VCV000664024.12), dbSNP rs369729808, ClinGen allele CA7115541.